The following is an entry in ClinVar:

NM_033109.5(PNPT1):c.418C>T (p.Pro140Ser)

Gene: PNPT1 (polyribonucleotide nucleotidyltransferase 1; minus strand). Cytogenetic location: 2p16.1.
Variant type: single nucleotide variant.
Coding change: c.418C>T on transcript NM_033109.5 (MANE Select); coding-DNA position 418, C replaced by T.
Protein change: p.Pro140Ser; replaces proline 140 with serine.
Molecular consequence: missense variant.
Genome position (GRCh38, 1-based): chr2:55,683,820, G>A on the plus strand (C>T on the coding strand, the complement: PNPT1 is on the minus strand). VCF-style: chr2-55683820-G-A. GRCh37 (hg19) VCF-style: chr2-55910955-G-A.
Other names: c.418C>T (NM_033109.3); short protein forms P140S.
Identifiers: ClinVar variation 498322 (VCV000498322.11), dbSNP rs771597979, ClinGen allele CA1668483.
Genomic context (GRCh38, chr2:55,683,820, plus strand): 5'-CTAAAAAACCTAAAGCAGAATCTACCTGTGTATCATAGAAGTAGCCAGCTGGAAAGAGCG[G>A]TCTAATTGAACGATCTGCCAAAAGAAAAAAAAACACATTAAACCGTACTGACAGAGTTGC-3'
Protein context (NP_149100.2, residues 130-150): TSRIIDRSIR[Pro140Ser]LFPAGYFYDT

ClinVar aggregate classification (germline): Uncertain significance. Review status: criteria provided, multiple submitters, no conflicts (2 of 4 stars). 4 submissions from 4 submitters: Uncertain significance (4). Last evaluated 2024-01-15.

Conditions:
Inborn genetic diseases. Identifiers: MedGen C0950123, MeSH D030342.

Allele frequency attached by ClinVar (database versions not stated): gnomAD 0.00001; gnomAD exomes 0.00002 and 0.00011; TOPMed 0.00005; ExAC 0.00007.
gnomAD v4.1: 33 of 1,613,416 alleles (0.002%); highest among the groups gnomAD compares: Admixed American, 0.055%; no homozygotes.

Submissions (4):

Labcorp Genetics (formerly Invitae), Labcorp
Classification: Uncertain significance. Last evaluated: 2024-01-15. Review status: criteria provided, single submitter. Criteria: Invitae Variant Classification Sherloc (09022015). Collection method: clinical testing. Allele origin: germline.
Comment: This sequence change replaces proline, which is neutral and non-polar, with serine, which is neutral and polar, at codon 140 of the PNPT1 protein (p.Pro140Ser). This variant is present in population databases (rs771597979, gnomAD 0.08%). This variant has not been reported in the literature in individuals affected with PNPT1-related conditions. ClinVar contains an entry for this variant (Variation ID: 498322). Advanced modeling of protein sequence and biophysical properties (such as structural, functional, and spatial information, amino acid conservation, physicochemical variation, residue mobility, and thermodynamic stability) performed at Invitae indicates that this missense variant is not expected to disrupt PNPT1 protein function with a negative predictive value of 80%. This variant disrupts the p.Pro140 amino acid residue in PNPT1. Other variant(s) that disrupt this residue have been determined to be pathogenic (PMID: 28645153, 31164858). This suggests that this residue is clinically significant, and that variants that disrupt this residue are likely to be disease-causing. In summary, the available evidence is currently insufficient to determine the role of this variant in disease. Therefore, it has been classified as a Variant of Uncertain Significance.

Ambry Genetics
Classification: Uncertain significance for Inborn genetic diseases. Last evaluated: 2022-06-17. Review status: criteria provided, single submitter. Criteria: Ambry Variant Classification Scheme 2023. Collection method: clinical testing. Allele origin: germline.

GeneDx
Classification: Uncertain significance. Last evaluated: 2021-06-25. Review status: criteria provided, single submitter. Criteria: GeneDx Variant Classification Process June 2021. Collection method: clinical testing. Allele origin: germline. Affected: yes.
Comment: In silico analysis supports that this missense variant has a deleterious effect on protein structure/function; Has not been previously published as pathogenic or benign to our knowledge; This variant is associated with the following publications: (PMID: 27535533)

Eurofins Ntd Llc (ga)
Classification: Uncertain significance. Last evaluated: 2016-12-01. Review status: criteria provided, single submitter. Criteria: EGL Classification Definitions 2015. Collection method: clinical testing. Allele origin: germline. Observed: 1 variant allele, 1 heterozygote.

Literature cited by the submitters: PubMed 28645153 (cited by Labcorp Genetics (formerly Invitae), Labcorp); PubMed 31164858 (cited by Labcorp Genetics (formerly Invitae), Labcorp).